The following is an entry in ClinVar:

NM_001378454.1(ALMS1):c.11198C>T (p.Thr3733Ile)

Gene: ALMS1 (ALMS1 centrosome and basal body associated protein; plus strand). Cytogenetic location: 2p13.1.
Variant type: single nucleotide variant.
Coding change: c.11198C>T on transcript NM_001378454.1 (MANE Select); coding-DNA position 11198, C replaced by T.
Protein change: p.Thr3733Ile; replaces threonine 3733 with isoleucine.
Molecular consequence: missense variant.
Genome position (GRCh38, 1-based): chr2:73,573,075, C>T. VCF-style: chr2-73573075-C-T. GRCh37 (hg19) VCF-style: chr2-73800202-C-T.
Other names: c.11201C>T, p.Thr3734Ile (NM_015120.4); short protein forms T3733I, T3734I.
Identifiers: ClinVar variation 3355597 (VCV003355597.1).

ClinVar aggregate classification (germline): Uncertain significance (0 of 4 stars; one submission).

Conditions:
ALMS1-related disorder. Also called: ALMS1-related condition.

Submission:

PreventionGenetics, part of Exact Sciences
Classification: Uncertain significance for ALMS1-related condition. Last evaluated: 2024-03-15. Review status: no assertion criteria provided. Collection method: clinical testing. Allele origin: germline.
Comment: The ALMS1 c.11201C>T variant is predicted to result in the amino acid substitution p.Ser3734Leu. To our knowledge, this variant has not been reported in the literature. This variant is reported in 0.0044% of alleles in individuals of European (Non-Finnish) descent in gnomAD. At this time, the clinical significance of this variant is uncertain due to the absence of conclusive functional and genetic evidence.